The following is an entry in ClinVar:

NM_000455.5(STK11):c.1286C>G (p.Ala429Gly)

Gene: STK11 (serine/threonine kinase 11; plus strand). Cytogenetic location: 19p13.3.
Variant type: single nucleotide variant.
Coding change: c.1286C>G on transcript NM_000455.5 (MANE Select); coding-DNA position 1286, C replaced by G.
Protein change: p.Ala429Gly; replaces alanine 429 with glycine.
Molecular consequence: missense variant.
Genome position (GRCh38, 1-based): chr19:1,226,631, C>G. VCF-style: chr19-1226631-C-G. GRCh37 (hg19) VCF-style: chr19-1226630-C-G.
Other names: p.Ala429Gly; short protein forms A429G.
Identifiers: ClinVar variation 216428 (VCV000216428.29), dbSNP rs757369900, ClinGen allele CA046303.

ClinVar aggregate classification (germline): Conflicting classifications of pathogenicity. Review status: criteria provided, conflicting classifications (1 of 4 stars). 10 submissions from 10 submitters: Uncertain significance (6); Benign (1); Likely benign (3). Last evaluated 2025-11-18.

Conditions:
Hereditary cancer-predisposing syndrome. Also called: Tumor predisposition; Hereditary Cancer Syndrome; Neoplastic Syndromes, Hereditary; Hereditary neoplastic syndrome. Identifiers: Orphanet 140162, MedGen C0027672, MeSH D009386, MONDO:0015356.
Peutz-Jeghers syndrome (PJS). Also called: POLYPOSIS, HAMARTOMATOUS INTESTINAL; POLYPS-AND-SPOTS SYNDROME; Peutz-Jeghers polyposis; Periorificial lentiginosis syndrome. Identifiers: Orphanet 2869, MedGen C0031269, MeSH D010580, MONDO:0008280, OMIM 175200.

Allele frequency attached by ClinVar (database versions not stated): TOPMed 0.00003; gnomAD 0.00004 and 0.00005.
gnomAD v4.1: 11 of 1,541,110 alleles (0.00071%); highest among the groups gnomAD compares: African/African-American, 0.014%; no homozygotes.

Submissions (10):

Labcorp Genetics (formerly Invitae), Labcorp
Classification: Likely benign for Peutz-Jeghers syndrome. Last evaluated: 2025-11-18. Review status: criteria provided, single submitter. Criteria: Invitae Variant Classification Sherloc (09022015). Collection method: clinical testing. Allele origin: germline.

Women's Health and Genetics/Laboratory Corporation of America, LabCorp
Classification: Likely benign. Last evaluated: 2025-10-06. Review status: criteria provided, single submitter. Criteria: LabCorp Variant Classification Summary - May 2015. Collection method: clinical testing. Allele origin: germline.
Comment: Variant summary: STK11 c.1286C>G (p.Ala429Gly) results in a non-conservative amino acid change in the encoded protein sequence. Algorithms developed to predict the effect of missense changes on protein structure and function are either unavailable or do not agree on the potential impact of this missense change. The variant allele was found at a frequency of 7.1e-06 in 1541110 control chromosomes, predominantly at a frequency of 0.00014 within the African or African-American subpopulation in the gnomAD database. The observed variant frequency within African or African-American control individuals in the gnomAD database exceeds the estimated maximal expected allele frequency for disease-causing variants in STK11. To our knowledge, no occurrence of c.1286C>G in individuals affected with STK11-related conditions and no experimental evidence demonstrating its impact on protein function have been reported. ClinVar contains an entry for this variant (Variation ID: 216428). Based on the evidence outlined above, the variant was classified as likely benign.

Ambry Genetics
Classification: Likely benign for Hereditary cancer-predisposing syndrome. Last evaluated: 2025-04-23. Review status: criteria provided, single submitter. Criteria: Ambry Variant Classification Scheme 2023. Collection method: clinical testing. Allele origin: germline.

Color Diagnostics, LLC DBA Color Health
Classification: Benign for Hereditary cancer-predisposing syndrome. Last evaluated: 2025-02-10. Review status: criteria provided, single submitter. Criteria: ACMG Guidelines, 2015. Collection method: clinical testing. Allele origin: germline.

Mayo Clinic Laboratories, Mayo Clinic
Classification: Uncertain significance. Last evaluated: 2024-09-06. Review status: criteria provided, single submitter. Criteria: ACMG Guidelines, 2015. Collection method: clinical testing. Allele origin: germline. Observed: 2 variant alleles.
Comment: BP4

All of Us Research Program, National Institutes of Health
Classification: Uncertain significance for Peutz-Jeghers syndrome. Last evaluated: 2024-02-05. Review status: criteria provided, single submitter. Criteria: ACMG Guidelines, 2015. Collection method: clinical testing. Allele origin: germline. Inheritance: Autosomal dominant inheritance. Observed: 4 variant alleles, 4 heterozygotes.
Comment: This missense variant replaces alanine with glycine at codon 429 of the STK11 protein. Computational prediction suggests that this variant may not impact protein structure and function (internally defined REVEL score threshold <= 0.5, PMID: 27666373). Splice site prediction tools suggest that this variant may not impact RNA splicing. To our knowledge, functional studies have not been performed for this variant. This variant has not been reported in individuals affected with hereditary cancer in the literature. This variant has been identified in 5/170826 chromosomes in the general population by the Genome Aggregation Database (gnomAD). The available evidence is insufficient to determine the role of this variant in disease conclusively. Therefore, this variant is classified as a Variant of Uncertain Significance.

This study involves interpretation of variants in research participants for the purpose of population health screening. Participant phenotype was not available at the time of variant classification. Additional details can be found in publication PMID: 35346344, PMCID: PMC8962531

Sema4
Classification: Uncertain significance for Hereditary cancer-predisposing syndrome. Last evaluated: 2022-03-12. Review status: criteria provided, single submitter. Criteria: Sema4 Curation Guidelines. Collection method: curation. Allele origin: germline.
Comment: The STK11 c.1286C>G (p.A429G) variant has not been reported in the literature to our knowledge. This variant was observed in 4/15080 chromosomes in the African/African American population according to the Genome Aggregation Database (PMID: 32461654), and has been reported in ClinVar (Variation ID: 216428). Functional studies have not been performed, and in silico predictions of the variant's effect on protein function are inconclusive. The evidence is insufficient to meet ACMG/AMP criteria for classifying the variant as benign or pathogenic. Thus, the clinical significance of this variant is currently uncertain.

Genome-Nilou Lab
Classification: Uncertain significance for Peutz-Jeghers syndrome. Last evaluated: 2021-07-15. Review status: criteria provided, single submitter. Criteria: ACMG Guidelines, 2015. Collection method: clinical testing. Allele origin: germline. Affected: no.

GeneDx
Classification: Uncertain significance. Last evaluated: 2020-07-30. Review status: criteria provided, single submitter. Criteria: GeneDx Variant Classification Process June 2021. Collection method: clinical testing. Allele origin: germline. Affected: yes.
Comment: Not observed at a significant frequency in large population cohorts (Lek 2016); In silico analysis supports that this missense variant does not alter protein structure/function; Has not been previously published as pathogenic or benign to our knowledge

Quest Diagnostics Nichols Institute San Juan Capistrano
Classification: Uncertain significance. Last evaluated: 2018-08-13. Review status: criteria provided, single submitter. Criteria: Quest Diagnostics criteria. Collection method: clinical testing. Allele origin: germline.

Literature cited by the submitters: PubMed 36315513 (cited by Ambry Genetics and Mayo Clinic Laboratories, Mayo Clinic).